The following is an entry in ClinVar:

ClinVar aggregate classification (germline): Uncertain significance (1 of 4 stars; one submission).

Conditions:
Rhabdoid tumor predisposition syndrome 2 (RTPS2). Identifiers: Orphanet 231108, Orphanet 69077, MedGen C2750074, MONDO:0013224, OMIM 613325.

gnomAD v4.1: 1 of 1,602,846 alleles (0.000062%); highest among the groups gnomAD compares: Non-Finnish European, 0.000085%; no homozygotes.

Submission:

Labcorp Genetics (formerly Invitae), Labcorp
Classification: Uncertain significance for Rhabdoid tumor predisposition syndrome 2. Last evaluated: 2025-05-07. Review status: criteria provided, single submitter. Criteria: Invitae Variant Classification Sherloc (09022015). Collection method: clinical testing. Allele origin: germline.
Comment: This sequence change replaces proline, which is neutral and non-polar, with arginine, which is basic and polar, at codon 285 of the SMARCA4 protein (p.Pro285Arg). This variant is not present in population databases (gnomAD no frequency). This variant has not been reported in the literature in individuals affected with SMARCA4-related conditions. An algorithm developed to predict the effect of missense changes on protein structure and function (PolyPhen-2) suggests that this variant is likely to be tolerated. In summary, the available evidence is currently insufficient to determine the role of this variant in disease. Therefore, it has been classified as a Variant of Uncertain Significance.

NM_003072.5(SMARCA4):c.854C>G (p.Pro285Arg)

Gene: SMARCA4 (SWI/SNF related BAF chromatin remodeling complex subunit ATPase 4; plus strand). Cytogenetic location: 19p13.2.
Variant type: single nucleotide variant.
Coding change: c.854C>G on transcript NM_003072.5 (MANE Select); coding-DNA position 854, C replaced by G.
Protein change: p.Pro285Arg; replaces proline 285 with arginine.
Molecular consequence: missense variant. On other transcripts: non-coding transcript variant (1).
Genome position (GRCh38, 1-based): chr19:10,986,998, C>G. VCF-style: chr19-10986998-C-G. GRCh37 (hg19) VCF-style: chr19-11097674-C-G.
Other names: c.854C>G, p.Pro285Arg (NM_001128844.3, NM_001128845.2, NM_001128846.2 and 6 more transcripts); short protein forms P285R.
Identifiers: ClinVar variation 4799201 (VCV004799201.1).